The following is an entry in ClinVar:

ClinVar aggregate classification (germline): Uncertain significance. Review status: criteria provided, multiple submitters, no conflicts (2 of 4 stars). 2 submissions from 2 submitters: Uncertain significance (2). Last evaluated 2025-06-06.

Conditions:
Inborn genetic diseases. Identifiers: MedGen C0950123, MeSH D030342.
Imerslund-Grasbeck syndrome type 2. Also called: Megaloblastic anemia 1, Norwegian type; MEGALOBLASTIC ANEMIA, NORWEGIAN TYPE; Imerslund-Gräsbeck syndrome 2. Identifiers: MedGen C4016948, MONDO:0100157, OMIM 618882.

Submissions (2):

Ambry Genetics
Classification: Uncertain significance for Inborn genetic diseases. Last evaluated: 2025-06-06. Review status: criteria provided, single submitter. Criteria: Ambry Variant Classification Scheme 2023. Collection method: clinical testing. Allele origin: germline.
Comment: The c.1125_1133dupCCTGCTGGT (p.L376_V378dup) alteration is located in exon 10 (coding exon 10) of the AMN gene. The alteration consists of an in-frame duplication of 9 nucleotides from position 1125 to 1133, resulting in the duplication of 3 residues. Based on insufficient or conflicting evidence, the clinical significance of this alteration remains unclear.

Fulgent Genetics
Classification: Uncertain significance for Imerslund-Grasbeck syndrome type 2. Last evaluated: 2024-02-22. Review status: criteria provided, single submitter. Criteria: ACMG Guidelines, 2015. Collection method: clinical testing. Allele origin: germline.

NM_030943.4(AMN):c.1125_1133dup (p.Val378_Ala379insLeuLeuVal)

Genes: AMN (amnion associated transmembrane protein; plus strand), LOC130056554 (ATAC-STARR-seq lymphoblastoid silent region 6136; plus strand). Cytogenetic location: 14q32.32.
Variant type: Duplication.
Coding change: c.1125_1133dup on transcript NM_030943.4 (MANE Select); coding-DNA positions 1125 to 1133, 9 bases duplicated (CCTGCTGGT; older notation c.1125_1133dupCCTGCTGGT).
Protein change: p.Val378_Ala379insLeuLeuVal.
Genome position (GRCh38, 1-based): chr14:102,930,283-102,930,291, CCTGCTGGT duplicated; duplicating any 9 consecutive bases within chr14:102,930,275-102,930,291 gives the same sequence; the c. name uses the placement nearest the transcript's 3' end. VCF-style (leftmost placement, unchanged base first): chr14-102930274-G-GCTGCTGGTC. GRCh37 (hg19) VCF-style: chr14-103396611-G-GCTGCTGGTC.
Other names: c.963_971dup, p.Val324_Ala325insLeuLeuVal (NM_001425246.1); c.1125_1133dupCCTGCTGGT (NM_030943.3).
Identifiers: ClinVar variation 3576410 (VCV003576410.2).